The following is an entry in ClinVar:

ClinVar aggregate classification (germline): Uncertain significance. Review status: criteria provided, multiple submitters, no conflicts (2 of 4 stars). 2 submissions from 2 submitters: Uncertain significance (2). Last evaluated 2026-01-04.

Conditions:
Inborn genetic diseases. Identifiers: MedGen C0950123, MeSH D030342.

Allele frequency attached by ClinVar (database versions not stated): gnomAD 0.00001; TOPMed 0.00002.
gnomAD v4.1: 19 of 1,604,748 alleles (0.0012%); highest among the groups gnomAD compares: South Asian, 0.0034%; no homozygotes.

Submissions (2):

Labcorp Genetics (formerly Invitae), Labcorp
Classification: Uncertain significance. Last evaluated: 2026-01-04. Review status: criteria provided, single submitter. Criteria: Invitae Variant Classification Sherloc (09022015). Collection method: clinical testing. Allele origin: germline.
Comment: This sequence change replaces aspartic acid, which is acidic and polar, with asparagine, which is neutral and polar, at codon 987 of the CACNA2D4 protein (p.Asp987Asn). The frequency data for this variant in the population databases is considered unreliable, as metrics indicate poor data quality at this position in the gnomAD database. This variant has not been reported in the literature in individuals affected with CACNA2D4-related conditions. ClinVar contains an entry for this variant (Variation ID: 1493149). An algorithm developed to predict the effect of missense changes on protein structure and function outputs the following: PolyPhen-2: "Benign". The asparagine amino acid residue is found in multiple mammalian species, which suggests that this missense change does not adversely affect protein function. In summary, the available evidence is currently insufficient to determine the role of this variant in disease. Therefore, it has been classified as a Variant of Uncertain Significance.

Ambry Genetics
Classification: Uncertain significance for Inborn genetic diseases. Last evaluated: 2025-02-22. Review status: criteria provided, single submitter. Criteria: Ambry Variant Classification Scheme 2023. Collection method: clinical testing. Allele origin: germline.

NM_172364.5(CACNA2D4):c.2959G>A (p.Asp987Asn)

Gene: CACNA2D4 (calcium voltage-gated channel auxiliary subunit alpha2delta 4; minus strand). Cytogenetic location: 12p13.33.
Variant type: single nucleotide variant.
Coding change: c.2959G>A on transcript NM_172364.5 (MANE Select); coding-DNA position 2959, G replaced by A.
Protein change: p.Asp987Asn; replaces aspartic acid 987 with asparagine.
Molecular consequence: missense variant.
Genome position (GRCh38, 1-based): chr12:1,800,015, C>T on the plus strand (G>A on the coding strand, the complement: CACNA2D4 is on the minus strand). VCF-style: chr12-1800015-C-T. GRCh37 (hg19) VCF-style: chr12-1909181-C-T.
Other names: c.2959G>A (NM_172364.4); short protein forms D987N.
Identifiers: ClinVar variation 1493149 (VCV001493149.7), dbSNP rs950454471, ClinGen allele CA231522511.